The following is an entry in ClinVar:

ClinVar aggregate classification (germline): Uncertain significance (1 of 4 stars; one submission).

Conditions:
Lower motor neuron syndrome with late-adult onset (SMAJ). Also called: Spinal muscular atrophy, Jokela type; Late-Onset Spinal Motor Neuronopathy (SMAJ). Identifiers: Orphanet 276435, MedGen C3554398, MONDO:0014025, OMIM 615048.
Autosomal dominant mitochondrial myopathy with exercise intolerance (IMMD). Also called: Myopathy, isolated mitochondrial, autosomal dominant. Identifiers: Orphanet 457050, MedGen C4015513, MONDO:0014532, OMIM 616209.
Frontotemporal dementia and/or amyotrophic lateral sclerosis 2. Also called: FTDALS2. Identifiers: Orphanet 275872, MedGen C4014648, MONDO:0014395, OMIM 615911.

gnomAD v4.1: 1 of 1,160,952 alleles (0.000086%); highest among the groups gnomAD compares: Non-Finnish European, 0.00011%; no homozygotes.

Submission:

Labcorp Genetics (formerly Invitae), Labcorp
Classification: Uncertain significance for Lower motor neuron syndrome with late-adult onset; Frontotemporal dementia and/or amyotrophic lateral sclerosis 2; Autosomal dominant mitochondrial myopathy with exercise intolerance. Last evaluated: 2025-03-23. Review status: criteria provided, single submitter. Criteria: Invitae Variant Classification Sherloc (09022015). Collection method: clinical testing. Allele origin: germline.
Comment: This sequence change falls in intron 1 of the CHCHD10 gene. It does not directly change the encoded amino acid sequence of the CHCHD10 protein. This variant is not present in population databases (gnomAD no frequency). This variant has not been reported in the literature in individuals affected with CHCHD10-related conditions. ClinVar contains an entry for this variant (Variation ID: 2935998). Algorithms developed to predict the effect of sequence changes on RNA splicing suggest that this variant may disrupt the consensus splice site. In summary, the available evidence is currently insufficient to determine the role of this variant in disease. Therefore, it has been classified as a Variant of Uncertain Significance.

NM_213720.3(CHCHD10):c.42-6C>G

Gene: CHCHD10 (coiled-coil-helix-coiled-coil-helix domain containing 10; minus strand). Cytogenetic location: 22q11.23.
Variant type: single nucleotide variant.
Coding change: c.42-6C>G on transcript NM_213720.3 (MANE Select); 6 bases into the intron before coding-DNA position 42, C replaced by G.
Molecular consequence: intron variant.
Genome position (GRCh38, 1-based): chr22:23,767,599, G>C on the plus strand (C>G on the coding strand, the complement: CHCHD10 is on the minus strand). VCF-style: chr22-23767599-G-C. GRCh37 (hg19) VCF-style: chr22-24109786-G-C.
Other names: c.42-6C>G (NM_001301339.2).
Identifiers: ClinVar variation 2935998 (VCV002935998.3), dbSNP rs958389013, ClinGen allele CA322574094.